The following is an entry in ClinVar:

ClinVar aggregate classification (germline): Uncertain significance. Review status: criteria provided, multiple submitters, no conflicts (2 of 4 stars). 3 submissions from 3 submitters: Uncertain significance (3). Last evaluated 2024-02-05.

Conditions:
Inborn genetic diseases. Identifiers: MedGen C0950123, MeSH D030342.
Congenital myasthenic syndrome 15. Also called: Myasthenic syndrome, congenital, 15, without tubular aggregates. Identifiers: Orphanet 353327, Orphanet 590, MedGen C4015596, MONDO:0014542, OMIM 616227.

Allele frequency attached by ClinVar (database versions not stated): TOPMed 0.00001.
gnomAD v4.1: 6 of 1,614,086 alleles (0.00037%); highest among the groups gnomAD compares: Admixed American, 0.0067%; no homozygotes.

Submissions (3):

GeneDx
Classification: Uncertain significance. Last evaluated: 2024-02-05. Review status: criteria provided, single submitter. Criteria: GeneDx Variant Classification Process June 2021. Collection method: clinical testing. Allele origin: germline. Affected: yes.
Comment: Not observed at significant frequency in large population cohorts (gnomAD); In silico analysis supports that this missense variant has a deleterious effect on protein structure/function; Has not been previously published as pathogenic or benign to our knowledge

Ambry Genetics
Classification: Uncertain significance for Inborn genetic diseases. Last evaluated: 2024-01-02. Review status: criteria provided, single submitter. Criteria: Ambry Variant Classification Scheme 2023. Collection method: clinical testing. Allele origin: germline.

Labcorp Genetics (formerly Invitae), Labcorp
Classification: Uncertain significance for Congenital myasthenic syndrome 15. Last evaluated: 2021-09-01. Review status: criteria provided, single submitter. Criteria: Invitae Variant Classification Sherloc (09022015). Collection method: clinical testing. Allele origin: germline.
Comment: This sequence change replaces valine with glycine at codon 178 of the ALG14 protein (p.Val178Gly). The valine residue is highly conserved and there is a moderate physicochemical difference between valine and glycine. This variant is not present in population databases (ExAC no frequency). This variant has not been reported in the literature in individuals affected with ALG14-related conditions. Algorithms developed to predict the effect of missense changes on protein structure and function (SIFT, PolyPhen-2, Align-GVGD) all suggest that this variant is likely to be disruptive. In summary, the available evidence is currently insufficient to determine the role of this variant in disease. Therefore, it has been classified as a Variant of Uncertain Significance.

NM_144988.4(ALG14):c.533T>G (p.Val178Gly)

Gene: ALG14 (ALG14 UDP-N-acetylglucosaminyltransferase subunit; minus strand). Cytogenetic location: 1p21.3.
Variant type: single nucleotide variant.
Coding change: c.533T>G on transcript NM_144988.4 (MANE Select); coding-DNA position 533, T replaced by G.
Protein change: p.Val178Gly; replaces valine 178 with glycine.
Molecular consequence: missense variant. On other transcripts: 3 prime UTR variant (1), non-coding transcript variant (1).
Genome position (GRCh38, 1-based): chr1:94,983,194, A>C on the plus strand (T>G on the coding strand, the complement: ALG14 is on the minus strand). VCF-style: chr1-94983194-A-C. GRCh37 (hg19) VCF-style: chr1-95448750-A-C.
Other names: c.*102T>G (NM_001305242.2); c.533T>G (NM_144988.3); short protein forms V178G.
Identifiers: ClinVar variation 1017450 (VCV001017450.7), dbSNP rs766184799, ClinGen allele CA27220447.